The following is an entry in ClinVar:

NM_007294.4(BRCA1):c.2335A>T (p.Thr779Ser)

Gene: BRCA1 (BRCA1 DNA repair associated; minus strand). Cytogenetic location: 17q21.31.
Variant type: single nucleotide variant.
Coding change: c.2335A>T on transcript NM_007294.4 (MANE Select); coding-DNA position 2335, A replaced by T.
Protein change: p.Thr779Ser; replaces threonine 779 with serine.
Molecular consequence: missense variant. On other transcripts: intron variant (137).
Genome position (GRCh38, 1-based): chr17:43,093,196, T>A on the plus strand (A>T on the coding strand, the complement: BRCA1 is on the minus strand). VCF-style: chr17-43093196-T-A. GRCh37 (hg19) VCF-style: chr17-41245213-T-A.
Other names: NP_009225.1:p.Thr779Ser; c.652+1548A>T (NM_001408451.1); c.643+1548A>T (NM_001408464.1, NM_001408468.1, NM_001408465.1 and 3 more transcripts); c.523+1548A>T (NM_001408498.1, NM_001408501.1, NM_001408500.1 and 3 more transcripts); c.646+1548A>T (NM_001408467.1, NM_001408459.1, NM_001408455.1 and 11 more transcripts); c.583+1548A>T (NM_001408475.1); c.709+1548A>T (NM_001408412.1, NM_001408409.1, NM_001408414.1 and 2 more transcripts); c.451+1548A>T (NM_001408509.1, NM_001408508.1); and 42 more; short protein forms T732S, T779S, T776S, T483S, T652S, T667S, T691S, T731S.
Identifiers: ClinVar variation 1325663 (VCV001325663.3), dbSNP rs1348270931, ClinGen allele CA10597334.
Genomic context (GRCh38, chr17:43,093,196, plus strand): 5'-TTGGTTCTGTTTTTGCCTTCCCTAGAGTGCTAACTTCCAGTAACGAGATACTTTCCTGAG[T>A]GCCATAATCAGTACCAGGTACCAATGAAATACTGCTACTCTCTACAGATCTTTCAGTTTG-3'
Protein context (NP_009225.1, residues 769-789): ISLVPGTDYG[Thr779Ser]QESISLLEVS

ClinVar aggregate classification (germline): Conflicting classifications of pathogenicity. Review status: criteria provided, conflicting classifications (1 of 4 stars). 2 submissions from 2 submitters: Uncertain significance (1); Benign (1). Last evaluated 2025-09-24.

Conditions:
Hereditary breast ovarian cancer syndrome. Also called: Hereditary breast and ovarian cancer syndrome; Hereditary breast and ovarian cancer; Hereditary breast and ovarian cancer syndrome (HBOC); BRCA1- and BRCA2-Associated Hereditary Breast and Ovarian Cancer; Hereditary breast and/or ovarian cancer syndrome; Breast and ovarian cancer. Identifiers: Orphanet 145, MedGen C0677776, MeSH D061325, MONDO:0003582. Disease mechanism: loss of function.

Submissions (2):

Labcorp Genetics (formerly Invitae), Labcorp
Classification: Uncertain significance for Hereditary breast ovarian cancer syndrome. Last evaluated: 2025-09-24. Review status: criteria provided, single submitter. Criteria: Invitae Variant Classification Sherloc (09022015). Collection method: clinical testing. Allele origin: germline.
Comment: This sequence change replaces threonine, which is neutral and polar, with serine, which is neutral and polar, at codon 779 of the BRCA1 protein (p.Thr779Ser). This variant is not present in population databases (gnomAD no frequency). This variant has not been reported in the literature in individuals affected with BRCA1-related conditions. ClinVar contains an entry for this variant (Variation ID: 1325663). Invitae Evidence Modeling of protein sequence and biophysical properties (such as structural, functional, and spatial information, amino acid conservation, physicochemical variation, residue mobility, and thermodynamic stability) indicates that this missense variant is not expected to disrupt BRCA1 protein function with a negative predictive value of 80%. In summary, the available evidence is currently insufficient to determine the role of this variant in disease. Therefore, it has been classified as a Variant of Uncertain Significance.

National Health Laboratory Service, Universitas Academic Hospital and University of the Free State
Classification: Benign for Hereditary breast ovarian cancer syndrome. Last evaluated: 2022-04-19. Review status: criteria provided, single submitter. Criteria: ACMG Guidelines, 2015. Collection method: clinical testing. Allele origin: germline. Affected: yes. Observed: 2 variant alleles.

Literature cited by the submitters: DOI 10.3389/fgene.2022.834265 (cited by National Health Laboratory Service, Universitas Academic Hospital and University of the Free State).